The following is an entry in ClinVar:

ClinVar aggregate classification (germline): Conflicting classifications of pathogenicity. Review status: criteria provided, conflicting classifications (1 of 4 stars). 3 submissions from 3 submitters: Uncertain significance (1); Likely benign (2). Last evaluated 2025-12-09.

Conditions:
Intellectual developmental disorder, autosomal dominant 1. Also called: Intellectual disability, autosomal dominant 1; MBD5 Haploinsufficiency. Identifiers: Orphanet 228402, MedGen C1969562, MONDO:0007974, OMIM 156200.
Inborn genetic diseases. Identifiers: MedGen C0950123, MeSH D030342.

Allele frequency attached by ClinVar (database versions not stated): gnomAD 0.00001; gnomAD exomes 0.00005; ESP Exome Variant Server 0.00008; ExAC 0.00004; TOPMed 0.00002.
gnomAD v4.1: 21 of 1,613,800 alleles (0.0013%); highest among the groups gnomAD compares: Admixed American, 0.017%; no homozygotes.

Submissions (3):

Labcorp Genetics (formerly Invitae), Labcorp
Classification: Uncertain significance for Intellectual developmental disorder, autosomal dominant 1. Last evaluated: 2025-12-09. Review status: criteria provided, single submitter. Criteria: Invitae Variant Classification Sherloc (09022015). Collection method: clinical testing. Allele origin: germline.
Comment: This sequence change replaces glycine, which is neutral and non-polar, with serine, which is neutral and polar, at codon 610 of the MBD5 protein (p.Gly610Ser). This variant is present in population databases (rs142495834, gnomAD 0.03%), and has an allele count higher than expected for a pathogenic variant. This variant has not been reported in the literature in individuals affected with MBD5-related conditions. ClinVar contains an entry for this variant (Variation ID: 1061752). Invitae Evidence Modeling of protein sequence and biophysical properties (such as structural, functional, and spatial information, amino acid conservation, physicochemical variation, residue mobility, and thermodynamic stability) indicates that this missense variant is not expected to disrupt MBD5 protein function with a negative predictive value of 80%. In summary, the available evidence is currently insufficient to determine the role of this variant in disease. Therefore, it has been classified as a Variant of Uncertain Significance.

GeneDx
Classification: Likely benign. Last evaluated: 2021-03-02. Review status: criteria provided, single submitter. Criteria: GeneDx Variant Classification Process June 2021. Collection method: clinical testing. Allele origin: germline. Affected: yes.

Ambry Genetics
Classification: Likely benign for Inborn genetic diseases. Last evaluated: 2017-09-29. Review status: criteria provided, single submitter. Criteria: Ambry Variant Classification Scheme 2023. Collection method: clinical testing. Allele origin: germline.

NM_001378120.1(MBD5):c.1828G>A (p.Gly610Ser)

Gene: MBD5 (methyl-CpG binding domain protein 5; plus strand). Cytogenetic location: 2q23.1.
Variant type: single nucleotide variant.
Coding change: c.1828G>A on transcript NM_001378120.1 (MANE Select); coding-DNA position 1828, G replaced by A.
Protein change: p.Gly610Ser; replaces glycine 610 with serine.
Molecular consequence: missense variant.
Genome position (GRCh38, 1-based): chr2:148,469,771, G>A. VCF-style: chr2-148469771-G-A. GRCh37 (hg19) VCF-style: chr2-149227340-G-A.
Other names: c.1828G>A, p.Gly610Ser (NM_018328.5); short protein forms G610S.
Identifiers: ClinVar variation 1061752 (VCV001061752.12), dbSNP rs142495834, ClinGen allele CA1900063.